The following is an entry in ClinVar:

NM_001033855.3(DCLRE1C):c.1711A>G (p.Thr571Ala)

Gene: DCLRE1C (DNA cross-link repair 1C; minus strand). Cytogenetic location: 10p13.
Variant type: single nucleotide variant.
Coding change: c.1711A>G on transcript NM_001033855.3 (MANE Select); coding-DNA position 1711, A replaced by G.
Protein change: p.Thr571Ala; replaces threonine 571 with alanine.
Molecular consequence: missense variant. On other transcripts: non-coding transcript variant (4).
Genome position (GRCh38, 1-based): chr10:14,908,776, T>C on the plus strand (A>G on the coding strand, the complement: DCLRE1C is on the minus strand). VCF-style: chr10-14908776-T-C. GRCh37 (hg19) VCF-style: chr10-14950775-T-C.
Other names: c.1351A>G, p.Thr451Ala (NM_001033857.3, NM_001033858.3, NM_001289077.2 and 2 more transcripts); c.1366A>G, p.Thr456Ala (NM_001289076.2, NM_001289078.2, NM_001350966.2 and 1 more transcripts); c.1711A>G, p.Thr571Ala (NM_001350965.2); short protein forms T571A, T451A, T456A.
Identifiers: ClinVar variation 1034986 (VCV001034986.10), dbSNP rs775927361, ClinGen allele CA376074897.

ClinVar aggregate classification (germline): Uncertain significance (1 of 4 stars; one submission).

Conditions:
Severe combined immunodeficiency due to DCLRE1C deficiency (RS-SCID). Also called: SCID, AUTOSOMAL RECESSIVE, T CELL-NEGATIVE, B CELL-NEGATIVE, NK CELL-POSITIVE, WITH SENSITIVITY TO IONIZING RADIATION. Identifiers: Orphanet 275, MedGen C1865371, MONDO:0011225, OMIM 602450.

Submission:

Labcorp Genetics (formerly Invitae), Labcorp
Classification: Uncertain significance for Athabaskan severe combined immunodeficiency. Last evaluated: 2022-03-19. Review status: criteria provided, single submitter. Criteria: Invitae Variant Classification Sherloc (09022015). Collection method: clinical testing. Allele origin: germline.
Comment: ClinVar contains an entry for this variant (Variation ID: 1034986). In summary, the available evidence is currently insufficient to determine the role of this variant in disease. Therefore, it has been classified as a Variant of Uncertain Significance. Algorithms developed to predict the effect of missense changes on protein structure and function output the following: SIFT: "Tolerated"; PolyPhen-2: "Benign"; Align-GVGD: "Class C0". The alanine amino acid residue is found in multiple mammalian species, which suggests that this missense change does not adversely affect protein function. This variant has not been reported in the literature in individuals affected with DCLRE1C-related conditions. This variant is not present in population databases (gnomAD no frequency). This sequence change replaces threonine, which is neutral and polar, with alanine, which is neutral and non-polar, at codon 571 of the DCLRE1C protein (p.Thr571Ala).